The following is an entry in ClinVar:

NM_001005373.4(LRSAM1):c.1773_1774delinsAA (p.His592Asn)

Gene: LRSAM1 (leucine rich repeat and sterile alpha motif containing 1; plus strand). Cytogenetic location: 9q33.3.
Variant type: Indel.
Coding change: c.1773_1774delinsAA on transcript NM_001005373.4 (MANE Select); coding-DNA positions 1773 to 1774, GC replaced by AA.
Protein change: p.His592Asn; replaces histidine 592 with asparagine.
Molecular consequence: missense variant. On other transcripts: non-coding transcript variant (2).
Genome position (GRCh38, 1-based): chr9:127,496,038-127,496,039, GC replaced by AA. VCF-style: chr9-127496038-GC-AA. GRCh37 (hg19) VCF-style: chr9-130258317-GC-AA.
Other names: c.1773_1774delinsAA, p.His592Asn (NM_001005374.4, NM_001384142.1, NM_138361.5); c.1692_1693delinsAA, p.His565Asn (NM_001190723.3); c.1674_1675delinsAA, p.His559Asn (NM_001384143.1); c.984_985delinsAA, p.His329Asn (NM_001384144.1); short protein forms H592N, H565N, H329N, H559N.
Identifiers: ClinVar variation 959968 (VCV000959968.8), dbSNP rs1836128229, ClinGen allele CA1139661173.

ClinVar aggregate classification (germline): Uncertain significance (1 of 4 stars; one submission).

Conditions:
Charcot-Marie-Tooth disease axonal type 2P. Also called: CHARCOT-MARIE-TOOTH NEUROPATHY, TYPE 2P; Charcot-Marie-Tooth Neuropathy Type 2G; CHARCOT-MARIE-TOOTH DISEASE, AXONAL, TYPE 2G; CMT 2G. Identifiers: Orphanet 300319, Orphanet 99941, MedGen C3280797, MONDO:0013753, OMIM 614436.

Submission:

Labcorp Genetics (formerly Invitae), Labcorp
Classification: Uncertain significance for Charcot-Marie-Tooth disease axonal type 2P. Last evaluated: 2019-08-11. Review status: criteria provided, single submitter. Criteria: Invitae Variant Classification Sherloc (09022015). Collection method: clinical testing. Allele origin: germline.
Comment: This sequence change replaces histidine with asparagine at codon 592 of the LRSAM1 protein (p.His592Asn). The histidine residue is highly conserved and there is a small physicochemical difference between histidine and asparagine. This variant is not present in population databases (ExAC no frequency). This variant has not been reported in the literature in individuals with LRSAM1-related conditions. Experimental studies and prediction algorithms are not available or were not evaluated for this variant, and the functional significance of this variant is currently unknown. In summary, the available evidence is currently insufficient to determine the role of this variant in disease. Therefore, it has been classified as a Variant of Uncertain Significance.